The following is an entry in ClinVar:

NM_173560.4(RFX6):c.872T>A (p.Leu291Ter)

Gene: RFX6 (regulatory factor X6; plus strand). Cytogenetic location: 6q22.1.
Variant type: single nucleotide variant.
Coding change: c.872T>A on transcript NM_173560.4 (MANE Select); coding-DNA position 872, T replaced by A.
Protein change: p.Leu291Ter; replaces leucine 291 with a stop codon.
Molecular consequence: nonsense.
Genome position (GRCh38, 1-based): chr6:116,916,214, T>A. VCF-style: chr6-116916214-T-A. GRCh37 (hg19) VCF-style: chr6-117237377-T-A.
Other names: short protein forms L291*.
Identifiers: ClinVar variation 2578066 (VCV002578066.1), dbSNP rs1287138440, ClinGen allele CA365432432.

ClinVar aggregate classification (germline): Pathogenic (1 of 4 stars; one submission).

gnomAD v4.1: 1 of 1,612,610 alleles (0.000062%); highest among the groups gnomAD compares: Non-Finnish European, 0.000085%; no homozygotes.

Submission:

GeneDx
Classification: Pathogenic. Last evaluated: 2023-03-02. Review status: criteria provided, single submitter. Criteria: GeneDx Variant Classification Process June 2021. Collection method: clinical testing. Allele origin: germline. Affected: yes.
Comment: Identified in the heterozygous state in an individual without diabetes from a large population-based cohort in published literature, but familial segregation information and additional clinical information were not included (Billings et al., 2022); Nonsense variant predicted to result in protein truncation or nonsense mediated decay in a gene for which loss of function is a known mechanism of disease; Not observed at significant frequency in large population cohorts (gnomAD); This variant is associated with the following publications: (PMID: 36208030)